The following is an entry in ClinVar:

NM_001267550.2(TTN):c.98460T>A (p.Pro32820=)

Genes: TTN (titin; minus strand), TTN-AS1 (TTN antisense RNA 1; plus strand). Cytogenetic location: 2q31.2.
Variant type: single nucleotide variant.
Coding change: c.98460T>A on transcript NM_001267550.2 (MANE Select); coding-DNA position 98460, T replaced by A.
Protein change: p.Pro32820=; no amino-acid change (proline 32820 retained).
Molecular consequence: synonymous variant. On other transcripts: non-coding transcript variant (1).
Genome position (GRCh38, 1-based): chr2:178,539,605, A>T on the plus strand (T>A on the coding strand, the complement: TTN is on the minus strand). VCF-style: chr2-178539605-A-T. GRCh37 (hg19) VCF-style: chr2-179404332-A-T.
Other names: c.93537T>A, p.Pro31179= (NM_001256850.1); c.71265T>A, p.Pro23755= (NM_003319.4); c.90756T>A, p.Pro30252= (NM_133378.4); c.71640T>A, p.Pro23880= (NM_133432.3); c.71841T>A, p.Pro23947= (NM_133437.4).
Identifiers: ClinVar variation 2578876 (VCV002578876.25), dbSNP rs761758255, ClinGen allele CA430240543.

ClinVar aggregate classification (germline): Likely benign (1 of 4 stars; one submission).

Submission:

CeGaT Center for Human Genetics Tuebingen
Classification: Likely benign. Last evaluated: 2026-05-01. Review status: criteria provided, single submitter. Criteria: CeGaT Center For Human Genetics Tuebingen Variant Classification Criteria Version 2. Collection method: clinical testing. Allele origin: germline. Affected: yes. Observed: 4 variant alleles.
Comment: TTN: PM2:Supporting, BP4, BP7